The following is an entry in ClinVar:

NM_014845.6(FIG4):c.1137+3A>G

Gene: FIG4 (FIG4 phosphoinositide 5-phosphatase; plus strand). Cytogenetic location: 6q21.
Variant type: single nucleotide variant.
Coding change: c.1137+3A>G on transcript NM_014845.6 (MANE Select); 3 bases into the intron after coding-DNA position 1137, A replaced by G.
Molecular consequence: intron variant.
Genome position (GRCh38, 1-based): chr6:109,743,775, A>G. VCF-style: chr6-109743775-A-G. GRCh37 (hg19) VCF-style: chr6-110064978-A-G.
Identifiers: ClinVar variation 1303324 (VCV001303324.2), dbSNP rs1776397988, ClinGen allele CA2573052563.

ClinVar aggregate classification (germline): Uncertain significance (1 of 4 stars; one submission).

Allele frequency attached by ClinVar (database versions not stated): gnomAD exomes below 0.00001.

Submission:

GeneDx
Classification: Uncertain significance. Last evaluated: 2019-08-09. Review status: criteria provided, single submitter. Criteria: GeneDx Variant Classification Process June 2021. Collection method: clinical testing. Allele origin: germline. Affected: yes.
Comment: Not observed in large population cohorts (Lek et al., 2016); Has not been previously published as pathogenic or benign to our knowledge; In-silico analysis, which includes splice predictors and evolutionary conservation, is inconclusive as to whether the variant alters gene splicing. In the absence of RNA/functional studies, the actual effect of this sequence change is unknown.